The following is an entry in ClinVar:

NM_000548.5(TSC2):c.2009C>T (p.Pro670Leu)

Gene: TSC2 (TSC complex subunit 2; plus strand). Cytogenetic location: 16p13.3.
Variant type: single nucleotide variant.
Coding change: c.2009C>T on transcript NM_000548.5 (MANE Select); coding-DNA position 2009, C replaced by T.
Protein change: p.Pro670Leu; replaces proline 670 with leucine.
Molecular consequence: missense variant.
Genome position (GRCh38, 1-based): chr16:2,071,846, C>T. VCF-style: chr16-2071846-C-T. GRCh37 (hg19) VCF-style: chr16-2121847-C-T.
Other names: p.P670L:CCT>CTT; c.2009C>T, p.Pro670Leu (NM_001077183.3, NM_001114382.3, NM_001363528.2 and 3 more transcripts); c.1898C>T, p.Pro633Leu (NM_001318827.2); c.1862C>T, p.Pro621Leu (NM_001318829.2); c.1409C>T, p.Pro470Leu (NM_001318831.2); c.2042C>T, p.Pro681Leu (NM_001318832.2); c.2009C>T (NM_000548.4); short protein forms P670L, P621L, P633L, P681L, P470L.
Identifiers: ClinVar variation 65383 (VCV000065383.30), dbSNP rs397515288, ClinGen allele CA016425.
Genomic context (GRCh38, chr16:2,071,846, plus strand): 5'-AGCCAGAGAGAGGCTCTGAGAAGAAGACCAGCGGCCCCCTTTCTCCTCCCACAGGGCCTC[C>T]TGGCCCGGCGCCTGCAGGCCCCGCCGTGCGGCTGGGGTCCGTGCCCTACTCCCTGCTCTT-3'
Protein context (NP_000539.2, residues 660-680): SGPLSPPTGP[Pro670Leu]GPAPAGPAVR

ClinVar aggregate classification (germline): Conflicting classifications of pathogenicity. Review status: criteria provided, conflicting classifications (1 of 4 stars). 15 submissions from 15 submitters: Uncertain significance (2); Benign (5); Likely benign (6). 2 of the submissions do not count toward it. Last evaluated 2026-02-03.

Conditions:
TSC2-related disorder. Also called: TSC2-Related Disorders; TSC2-related condition.
Hereditary cancer-predisposing syndrome. Also called: Tumor predisposition; Neoplastic Syndromes, Hereditary; Hereditary neoplastic syndrome; Hereditary Cancer Syndrome. Identifiers: Orphanet 140162, MedGen C0027672, MeSH D009386, MONDO:0015356.
Epilepsy. Also called: Seizure disorder. Identifiers: MedGen C0014544, MeSH D004827, MONDO:0005027.
Tuberous sclerosis syndrome (TSC). Also called: Tuberous Sclerosis Complex; Tuberous sclerosis. Identifiers: Orphanet 805, MedGen C0041341, MONDO:0001734.
Tuberous sclerosis 2 (TSC2). Identifiers: Orphanet 805, MedGen C1860707, MONDO:0013199, OMIM 613254.

Allele frequency attached by ClinVar (database versions not stated): gnomAD 0.00004; TOPMed 0.00004; gnomAD exomes 0.00008 and 0.00012; ExAC 0.00011.
gnomAD v4.1: 177 of 1,580,442 alleles (0.011%); highest among the groups gnomAD compares: Non-Finnish European, 0.014%; no homozygotes.

Submissions (15):

Labcorp Genetics (formerly Invitae), Labcorp
Classification: Benign for Tuberous sclerosis 2. Last evaluated: 2026-02-03. Review status: criteria provided, single submitter. Criteria: Invitae Variant Classification Sherloc (09022015). Collection method: clinical testing. Allele origin: germline.

Clinical Genomics Laboratory, Washington University in St. Louis
Classification: Uncertain significance for Tuberous sclerosis 2. Last evaluated: 2025-07-28. Review status: criteria provided, single submitter. Criteria: ACMG Guidelines, 2015. Collection method: clinical testing. Allele origin: germline.
Comment: A TSC2 c.2009C>T (p.Pro670Leu) variant was identified at a near heterozygous allelic fraction of 51%, a frequency which may be consistent with it being of germline origin. This variant has been reported in multiple individuals suspected with tuberous sclerosis complex, some of whom harbored additional TSC2 variants (Hoogeveen-Westerveld M et al., PMID: 22903760). This variant has been reported in the ClinVar database as a germline variant of uncertain significance by one submitter, likely benign by two submitters, and benign by five submitters (ClinVar ID: 65383). The highest population minor allele frequency in the population database genome aggregation database (v.4.1.0) is 0.018% which is higher than the incidence of disease. Computational predictors are uncertain as to the impact of this variant on TSC2 function. Due to limited information, and based on ACMG/AMP guidelines for variant interpretation (Richards S et al., PMID: 25741868), the clinical significance of this variant is uncertain at this time.

Myriad Genetics, Inc.
Classification: Likely benign for Tuberous sclerosis 2. Last evaluated: 2025-05-16. Review status: criteria provided, single submitter. Criteria: Myriad Autosomal Dominant, Autosomal Recessive and X-Linked Classification Criteria (2023). Collection method: clinical testing. Allele origin: unknown.
Comment: This variant is considered likely benign. This variant has been observed at a population frequency that is significantly greater than expected given the associated disease prevalence and penetrance.

KCCC/NGS Laboratory, Kuwait Cancer Control Center
Classification: Benign for Tuberous sclerosis 2. Last evaluated: 2025-02-01. Review status: criteria provided, single submitter. Criteria: ACMG Guidelines, 2015. Collection method: clinical testing. Allele origin: germline. Affected: no.

Blueprint Genetics
Classification: Likely benign. Last evaluated: 2024-10-31. Review status: criteria provided, single submitter. Criteria: ACMG Guidelines, 2015. Collection method: clinical testing. Allele origin: germline.

All of Us Research Program, National Institutes of Health
Classification: Likely benign for Tuberous sclerosis syndrome. Last evaluated: 2024-09-23. Review status: criteria provided, single submitter. Criteria: ACMG Guidelines, 2015. Collection method: clinical testing. Allele origin: germline. Inheritance: Autosomal dominant inheritance. Observed: 26 variant alleles, 26 heterozygotes.
Comment: This study involves interpretation of variants in research participants for the purpose of population health screening. Participant phenotype was not available at the time of variant classification. Additional details can be found in publication PMID: 35346344, PMCID: PMC8962531

Color Diagnostics, LLC DBA Color Health
Classification: Likely benign for Tuberous sclerosis syndrome. Last evaluated: 2022-08-16. Review status: criteria provided, single submitter. Criteria: ACMG Guidelines, 2015. Collection method: clinical testing. Allele origin: germline.

Genome-Nilou Lab
Classification: Benign for Tuberous sclerosis 2. Last evaluated: 2021-11-07. Review status: criteria provided, single submitter. Criteria: ACMG Guidelines, 2015. Collection method: clinical testing. Allele origin: germline. Affected: no.

Sema4
Classification: Benign for Hereditary cancer-predisposing syndrome. Last evaluated: 2021-06-03. Review status: criteria provided, single submitter. Criteria: Sema4 Curation Guidelines. Collection method: curation. Allele origin: germline.

Cambridge Genomics Laboratory, East Genomic Laboratory Hub, NHS Genomic Medicine Service
Classification: Likely benign for Epilepsy. Last evaluated: 2020-03-30. Review status: criteria provided, single submitter. Criteria: ACGS Best Practice Guidelines for Variant Classification in Rare Disease 2020. Collection method: clinical testing. Allele origin: germline. Affected: yes. Observed: 1 variant allele.

Ambry Genetics
Classification: Likely benign for Hereditary cancer-predisposing syndrome. Last evaluated: 2019-04-16. Review status: criteria provided, single submitter. Criteria: Ambry Variant Classification Scheme 2023. Collection method: clinical testing. Allele origin: germline.

GeneDx
Classification: Benign. Last evaluated: 2018-03-01. Review status: criteria provided, single submitter. Criteria: GeneDx Variant Classification (06012015). Collection method: clinical testing. Allele origin: germline. Affected: yes.
Comment: This variant is considered likely benign or benign based on one or more of the following criteria: it is a conservative change, it occurs at a poorly conserved position in the protein, it is predicted to be benign by multiple in silico algorithms, and/or has population frequency not consistent with disease.

Illumina Laboratory Services, Illumina
Classification: Uncertain significance for Tuberous sclerosis syndrome. Last evaluated: 2018-01-15. Review status: criteria provided, single submitter. Criteria: ICSL Variant Classification Criteria 13 December 2019. Collection method: clinical testing. Allele origin: germline.

PreventionGenetics, part of Exact Sciences
Classification: Likely benign for TSC2-related condition. Last evaluated: 2022-04-25. Review status: no assertion criteria provided. Collection method: clinical testing. Allele origin: germline. Not counted in ClinVar's aggregate classification.
Comment: This variant is classified as likely benign based on ACMG/AMP sequence variant interpretation guidelines (Richards et al. 2015 PMID: 25741868, with internal and published modifications).

Tuberous sclerosis database (TSC2)
No classification provided. Condition: TSC. Review status: no classification provided. Criteria: Tuberous Sclerosis Database Assertion Criteria 2015. Collection method: curation. Allele origin: germline. Affected: yes. Not counted in ClinVar's aggregate classification.

Literature cited by the submitters: PubMed 22903760 (cited by Ambry Genetics).